The following is an entry in ClinVar:

NM_012431.3(SEMA3E):c.2008T>G (p.Leu670Val)

Gene: SEMA3E (semaphorin 3E; minus strand). Cytogenetic location: 7q21.11.
Variant type: single nucleotide variant.
Coding change: c.2008T>G on transcript NM_012431.3 (MANE Select); coding-DNA position 2008, T replaced by G.
Protein change: p.Leu670Val; replaces leucine 670 with valine.
Molecular consequence: missense variant.
Genome position (GRCh38, 1-based): chr7:83,367,906, A>C on the plus strand (T>G on the coding strand, the complement: SEMA3E is on the minus strand). VCF-style: chr7-83367906-A-C. GRCh37 (hg19) VCF-style: chr7-82997222-A-C.
Other names: c.1828T>G, p.Leu610Val (NM_001178129.2); short protein forms L610V, L670V.
Identifiers: ClinVar variation 3614706 (VCV003614706.2).
Genomic context (GRCh38, chr7:83,367,906, plus strand): 5'-TGTCCTCCTCATCGTCCTTGTTAAACATATCCTCGACTTTCTCCTCTTCCACTACCTCCA[A>C]GGTGATTTTACGGACCGTATGGACAAAGCTATGCTCTACTGTCTGGCAAAAATAGGTCCC-3'
Protein context (NP_036563.1, residues 660-680): SFVHTVRKIT[Leu670Val]EVVEEEKVED

ClinVar aggregate classification (germline): Uncertain significance (1 of 4 stars; one submission).

Conditions:
CHARGE syndrome (CHARGE). Also called: Hittner Hirsch Kreh syndrome; CHARGE ASSOCIATION--COLOBOMA, HEART ANOMALY, CHOANAL ATRESIA, RETARDATION, GENITAL AND EAR ANOMALIES; Coloboma, heart anomaly, choanal atresia, retardation, genital and ear anomalies; CHARGE association; Hall-Hittner syndrome. Identifiers: Orphanet 138, MedGen C0265354, MONDO:0008965.

Submission:

Labcorp Genetics (formerly Invitae), Labcorp
Classification: Uncertain significance for CHARGE syndrome. Last evaluated: 2024-05-09. Review status: criteria provided, single submitter. Criteria: Invitae Variant Classification Sherloc (09022015). Collection method: clinical testing. Allele origin: germline.
Comment: This sequence change replaces leucine, which is neutral and non-polar, with valine, which is neutral and non-polar, at codon 670 of the SEMA3E protein (p.Leu670Val). This variant is not present in population databases (gnomAD no frequency). This variant has not been reported in the literature in individuals affected with SEMA3E-related conditions. Advanced modeling of protein sequence and biophysical properties (such as structural, functional, and spatial information, amino acid conservation, physicochemical variation, residue mobility, and thermodynamic stability) performed at Invitae indicates that this missense variant is not expected to disrupt SEMA3E protein function with a negative predictive value of 80%. In summary, the available evidence is currently insufficient to determine the role of this variant in disease. Therefore, it has been classified as a Variant of Uncertain Significance.